The following is an entry in ClinVar:

ClinVar aggregate classification (germline): Uncertain significance (1 of 4 stars; one submission).

Conditions:
Familial cancer of breast. Also called: hereditary breast carcinoma; Hereditary breast cancer; BREAST CANCER, FAMILIAL. Identifiers: Orphanet 227535, MedGen C0346153, MONDO:0016419, OMIM 114480. Disease mechanism: loss of function.

Submission:

Labcorp Genetics (formerly Invitae), Labcorp
Classification: Uncertain significance for Familial cancer of breast. Last evaluated: 2023-11-21. Review status: criteria provided, single submitter. Criteria: Invitae Variant Classification Sherloc (09022015). Collection method: clinical testing. Allele origin: germline.
Comment: This sequence change replaces serine, which is neutral and polar, with asparagine, which is neutral and polar, at codon 518 of the CHEK2 protein (p.Ser518Asn). This variant is not present in population databases (gnomAD no frequency). This variant has not been reported in the literature in individuals affected with CHEK2-related conditions. An algorithm developed to predict the effect of missense changes on protein structure and function (PolyPhen-2) suggests that this variant is likely to be tolerated. In summary, the available evidence is currently insufficient to determine the role of this variant in disease. Therefore, it has been classified as a Variant of Uncertain Significance.

NM_007194.4(CHEK2):c.1553G>A (p.Ser518Asn)

Gene: CHEK2 (checkpoint kinase 2; minus strand). Cytogenetic location: 22q12.1.
Variant type: single nucleotide variant.
Coding change: c.1553G>A on transcript NM_007194.4 (MANE Select); coding-DNA position 1553, G replaced by A.
Protein change: p.Ser518Asn; replaces serine 518 with asparagine.
Molecular consequence: missense variant.
Genome position (GRCh38, 1-based): chr22:28,687,976, C>T on the plus strand (G>A on the coding strand, the complement: CHEK2 is on the minus strand). VCF-style: chr22-28687976-C-T. GRCh37 (hg19) VCF-style: chr22-29083964-C-T.
Other names: c.1682G>A, p.Ser561Asn (NM_001005735.3); c.890G>A, p.Ser297Asn (NM_001257387.3); c.1352G>A, p.Ser451Asn (NM_001349956.3); c.1466G>A, p.Ser489Asn (NM_145862.3); short protein forms S561N, S297N, S451N, S489N, S518N.
Identifiers: ClinVar variation 2698084 (VCV002698084.3), dbSNP rs2052188413, ClinGen allele CA411091448.